The following is an entry in ClinVar:

NM_012156.2(EPB41L1):c.1994C>T (p.Ala665Val)

Gene: EPB41L1 (erythrocyte membrane protein band 4.1 like 1; plus strand). Cytogenetic location: 20q11.23.
Variant type: single nucleotide variant.
Coding change: c.1994C>T on transcript NM_012156.2 (MANE Select); coding-DNA position 1994, C replaced by T.
Protein change: p.Ala665Val; replaces alanine 665 with valine.
Molecular consequence: missense variant. On other transcripts: intron variant (20).
Genome position (GRCh38, 1-based): chr20:36,209,813, C>T. VCF-style: chr20-36209813-C-T. GRCh37 (hg19) VCF-style: chr20-34797735-C-T.
Other names: c.1994C>T, p.Ala665Val (NM_001258329.1, NM_001424397.1); c.1772C>T, p.Ala591Val (NM_001258331.2, NM_001424390.1, NM_001424393.1 and 4 more transcripts); c.1769C>T, p.Ala590Val (NM_001424389.1, NM_001424391.1, NM_001424392.1); c.1955C>T, p.Ala652Val (NM_001424395.1, NM_001424398.1, NM_001424399.1); c.1958C>T, p.Ala653Val (NM_001424396.1, NM_001424400.1, NM_001424401.1); c.1991C>T, p.Ala664Val (NM_001424402.1); c.1540-2459C>T (NM_001258330.1); c.1447-2459C>T (NM_001424405.1, NM_001424404.1, NM_001424403.1 and 4 more transcripts); and 5 more; short protein forms A590V, A591V, A652V, A653V, A664V, A665V.
Identifiers: ClinVar variation 3032897 (VCV003032897.2), dbSNP rs1600984787, ClinGen allele CA408798598.

ClinVar aggregate classification (germline): Uncertain significance (0 of 4 stars; one submission).

Conditions:
EPB41L1-related disorder. Also called: EPB41L1-related condition.

Submission:

PreventionGenetics, part of Exact Sciences
Classification: Uncertain significance for EPB41L1-related condition. Last evaluated: 2023-12-13. Review status: no assertion criteria provided. Collection method: clinical testing. Allele origin: germline.
Comment: The EPB41L1 c.1994C>T variant is predicted to result in the amino acid substitution p.Ala665Val. To our knowledge, this variant has not been reported in the literature or in a large population database, indicating this variant is rare. At this time, the clinical significance of this variant is uncertain due to the absence of conclusive functional and genetic evidence.